The following is an entry in ClinVar:

ClinVar aggregate classification (germline): Benign/Likely benign. Review status: criteria provided, multiple submitters, no conflicts (2 of 4 stars). 3 submissions from 3 submitters: Benign (1); Likely benign (2). Last evaluated 2025-12-24.

Conditions:
Oligodontia-cancer predisposition syndrome. Also called: TOOTH AGENESIS-COLORECTAL CANCER SYNDROME. Identifiers: Orphanet 300576, MedGen C1837750, MONDO:0012075, OMIM 608615. Disease mechanism: loss of function.
Hereditary cancer-predisposing syndrome. Also called: Hereditary Cancer Syndrome; Tumor predisposition; Neoplastic Syndromes, Hereditary; Hereditary neoplastic syndrome. Identifiers: Orphanet 140162, MedGen C0027672, MeSH D009386, MONDO:0015356.

Allele frequency attached by ClinVar (database versions not stated): TOPMed 0.00002.
gnomAD v4.1: 2 of 1,613,682 alleles (0.00012%); highest among the groups gnomAD compares: East Asian, 0.0045%; no homozygotes.

Submissions (3):

Labcorp Genetics (formerly Invitae), Labcorp
Classification: Likely benign for Oligodontia-cancer predisposition syndrome. Last evaluated: 2025-12-24. Review status: criteria provided, single submitter. Criteria: Invitae Variant Classification Sherloc (09022015). Collection method: clinical testing. Allele origin: germline.

Myriad Genetics, Inc.
Classification: Benign for Oligodontia-cancer predisposition syndrome. Last evaluated: 2024-07-09. Review status: criteria provided, single submitter. Criteria: Myriad Autosomal Dominant, Autosomal Recessive and X-Linked Classification Criteria (2023). Collection method: clinical testing. Allele origin: unknown.
Comment: This variant is considered benign. This variant is a silent/synonymous amino acid change and it is not expected to impact splicing.

Ambry Genetics
Classification: Likely benign for Hereditary cancer-predisposing syndrome. Last evaluated: 2022-05-02. Review status: criteria provided, single submitter. Criteria: Ambry Variant Classification Scheme 2023. Collection method: clinical testing. Allele origin: germline.

NM_004655.4(AXIN2):c.2007C>T (p.His669=)

Gene: AXIN2 (axin 2; minus strand). Cytogenetic location: 17q24.1.
Variant type: single nucleotide variant.
Coding change: c.2007C>T on transcript NM_004655.4 (MANE Select); coding-DNA position 2007, C replaced by T.
Protein change: p.His669=; no amino-acid change (histidine 669 retained).
Molecular consequence: synonymous variant.
Genome position (GRCh38, 1-based): chr17:65,536,454, G>A on the plus strand (C>T on the coding strand, the complement: AXIN2 is on the minus strand). VCF-style: chr17-65536454-G-A. GRCh37 (hg19) VCF-style: chr17-63532572-G-A.
Other names: c.1812C>T, p.His604= (NM_001363813.1).
Identifiers: ClinVar variation 701618 (VCV000701618.14), dbSNP rs756419208, ClinGen allele CA501690962.